The following is an entry in ClinVar:

NM_000234.3(LIG1):c.1327G>A (p.Ala443Thr)

Gene: LIG1 (DNA ligase 1; minus strand). Cytogenetic location: 19q13.33.
Variant type: single nucleotide variant.
Coding change: c.1327G>A on transcript NM_000234.3 (MANE Select); coding-DNA position 1327, G replaced by A.
Protein change: p.Ala443Thr; replaces alanine 443 with threonine.
Molecular consequence: missense variant. On other transcripts: non-coding transcript variant (6).
Genome position (GRCh38, 1-based): chr19:48,137,012, C>T on the plus strand (G>A on the coding strand, the complement: LIG1 is on the minus strand). VCF-style: chr19-48137012-C-T. GRCh37 (hg19) VCF-style: chr19-48640269-C-T.
Other names: c.1234G>A, p.Ala412Thr (NM_001289063.2); c.1123G>A, p.Ala375Thr (NM_001289064.2); c.1324G>A, p.Ala442Thr (NM_001320970.2); c.1237G>A, p.Ala413Thr (NM_001320971.2); short protein forms A413T, A443T, A375T, A412T, A442T.
Identifiers: ClinVar variation 2084109 (VCV002084109.3), dbSNP rs374979607, ClinGen allele CA9546871.
Genomic context (GRCh38, chr19:48,137,012, plus strand): 5'-CTTTCACCTCCGAGCCTGCAGTCCCCCTCTGTAGCCTCACAGGCCCACACGCTTACCTAG[C>T]GATGAACCGGGCTTCTGAGTGGCGGCAGGCCACAAAGAGGCCTTTGATGATGTCTATCTT-3'
Protein context (NP_000225.1, residues 433-453): ACRHSEARFI[Ala443Thr]RSLSGRLRLG

ClinVar aggregate classification (germline): Uncertain significance. Review status: criteria provided, multiple submitters, no conflicts (2 of 4 stars). 2 submissions from 2 submitters: Uncertain significance (2). Last evaluated 2023-05-09.

Allele frequency attached by ClinVar (database versions not stated): gnomAD 0.00003; TOPMed 0.00003; gnomAD exomes 0.00005; ExAC 0.00009; ESP Exome Variant Server 0.00015.
gnomAD v4.1: 72 of 1,611,704 alleles (0.0045%); highest among the groups gnomAD compares: Middle Eastern, 0.066%; no homozygotes.

Submissions (2):

Ambry Genetics
Classification: Uncertain significance. Last evaluated: 2023-05-09. Review status: criteria provided, single submitter. Criteria: Ambry Variant Classification Scheme 2023. Collection method: clinical testing. Allele origin: germline.

Labcorp Genetics (formerly Invitae), Labcorp
Classification: Uncertain significance. Last evaluated: 2022-06-29. Review status: criteria provided, single submitter. Criteria: Invitae Variant Classification Sherloc (09022015). Collection method: clinical testing. Allele origin: germline.
Comment: This sequence change replaces alanine, which is neutral and non-polar, with threonine, which is neutral and polar, at codon 443 of the LIG1 protein (p.Ala443Thr). This variant is present in population databases (rs374979607, gnomAD 0.04%). This variant has not been reported in the literature in individuals affected with LIG1-related conditions. Algorithms developed to predict the effect of missense changes on protein structure and function output the following: SIFT: "Tolerated"; PolyPhen-2: "Benign"; Align-GVGD: "Class C0". The threonine amino acid residue is found in multiple mammalian species, which suggests that this missense change does not adversely affect protein function. In summary, the available evidence is currently insufficient to determine the role of this variant in disease. Therefore, it has been classified as a Variant of Uncertain Significance.